The following is an entry in ClinVar:

NM_153704.6(TMEM67):c.1447A>G (p.Ile483Val)

Gene: TMEM67 (transmembrane protein 67; plus strand). Cytogenetic location: 8q22.1.
Variant type: single nucleotide variant.
Coding change: c.1447A>G on transcript NM_153704.6 (MANE Select); coding-DNA position 1447, A replaced by G.
Protein change: p.Ile483Val; replaces isoleucine 483 with valine.
Molecular consequence: missense variant. On other transcripts: non-coding transcript variant (1).
Genome position (GRCh38, 1-based): chr8:93,787,878, A>G. VCF-style: chr8-93787878-A-G. GRCh37 (hg19) VCF-style: chr8-94800106-A-G.
Other names: c.1204A>G, p.Ile402Val (NM_001142301.1); short protein forms I483V, I402V.
Identifiers: ClinVar variation 2010931 (VCV002010931.4), dbSNP rs374231895, ClinGen allele CA4807977.

ClinVar aggregate classification (germline): Uncertain significance (1 of 4 stars; one submission).

Conditions:
Joubert syndrome. Also called: CEREBELLOPARENCHYMAL DISORDER IV; JOUBERT-BOLTSHAUSER SYNDROME; Familial aplasia of the vermis. Identifiers: Orphanet 475, MedGen C5979921, MONDO:0018772.
Meckel-Gruber syndrome. Also called: DYSENCEPHALIA SPLANCHNOCYSTICA; GRUBER SYNDROME; Dysencephalia splachnocystica. Identifiers: Orphanet 564, MedGen C0265215, MONDO:0018921.

Allele frequency attached by ClinVar (database versions not stated): TOPMed below 0.00001; ExAC 0.00001; ESP Exome Variant Server 0.00008.

Submission:

Labcorp Genetics (formerly Invitae), Labcorp
Classification: Uncertain significance for Joubert syndrome; Meckel-Gruber syndrome. Last evaluated: 2025-01-13. Review status: criteria provided, single submitter. Criteria: Invitae Variant Classification Sherloc (09022015). Collection method: clinical testing. Allele origin: germline.
Comment: This sequence change replaces isoleucine, which is neutral and non-polar, with valine, which is neutral and non-polar, at codon 483 of the TMEM67 protein (p.Ile483Val). This variant is not present in population databases (gnomAD no frequency). This variant has not been reported in the literature in individuals affected with TMEM67-related conditions. ClinVar contains an entry for this variant (Variation ID: 2010931). Invitae Evidence Modeling of protein sequence and biophysical properties (such as structural, functional, and spatial information, amino acid conservation, physicochemical variation, residue mobility, and thermodynamic stability) has been performed for this missense variant. However, the output from this modeling did not meet the statistical confidence thresholds required to predict the impact of this variant on TMEM67 protein function. In summary, the available evidence is currently insufficient to determine the role of this variant in disease. Therefore, it has been classified as a Variant of Uncertain Significance.